The following is an entry in ClinVar:

ClinVar aggregate classification (germline): Pathogenic (1 of 4 stars; one submission).

Conditions:
Lesch-Nyhan syndrome (LNS). Also called: HPRT DEFICIENCY, COMPLETE; Lesch-Nyhan Disease (LND). Identifiers: Orphanet 510, MedGen C0023374, MONDO:0010298, OMIM 300322.

Submission:

Victorian Clinical Genetics Services, Murdoch Childrens Research Institute
Classification: Pathogenic for Lesch-Nyhan syndrome. Last evaluated: 2020-10-19. Review status: criteria provided, single submitter. Criteria: ACMG Guidelines, 2015. Collection method: clinical testing. Allele origin: germline. Inheritance: X-linked recessive inheritance. Affected: yes.
Comment: Based on the classification scheme VCGS_Germline_v1.1.1, this variant is classified as Pathogenic. Following criteria are met: 0102 - Loss-of-function is a known mechanism of disease for this gene. (N) 0109 - This gene is known to be associated with X-linked recessive disease. (N) 0205 - Variant is predicted to result in a truncated protein with less than 1/3 of the protein affected (exon 8 of 9). (P) 0253 - Variant is hemizygous. (N) 0301 - Variant is absent from gnomAD. (P) 0600 - Variant is located in an annotated domain or motif (Pribosyltran; DECIPHER, PDB). (N) 0703 - Comparable variants have moderate previous evidence for pathogenicity. 3 downstream truncating variants have been reported in patients with Lesch-Nyhan syndrome (MIM# 300322) (ClinVar, PMID: 22132984, 31182398). (P) 0807 - Variant has not previously been reported in a clinical context. (N) 0905 - No segregation evidence has been identified for this variant. (N) 1005 - Clinically accredited laboratory assay specific to gene product shows abnormal protein function. Enzyme assay on this patient’s sample indicated undetectable levels of activity. (P) 1007 - No published functional evidence has been identified for this variant. (N) 1102 - Strong phenotype match. (N) Legend: (P) - Pathogenic, (N) - Neutral, (B) - Benign

Literature cited by the submitters: PubMed 22132984; PubMed 31182398.

NM_000194.3(HPRT1):c.568G>T (p.Gly190Ter)

Gene: HPRT1 (hypoxanthine phosphoribosyltransferase 1; plus strand). Cytogenetic location: Xq26.2.
Variant type: single nucleotide variant.
Coding change: c.568G>T on transcript NM_000194.3 (MANE Select); coding-DNA position 568, G replaced by T.
Protein change: p.Gly190Ter; replaces glycine 190 with a stop codon.
Molecular consequence: nonsense.
Genome position (GRCh38, 1-based): chrX:134,498,643, G>T. VCF-style: chrX-134498643-G-T. GRCh37 (hg19) VCF-style: chrX-133632673-G-T.
Other names: short protein forms G190*.
Identifiers: ClinVar variation 1805093 (VCV001805093.1), dbSNP rs2520840504, ClinGen allele CA414715860.